The following is an entry in ClinVar:

NM_001288705.3(CSF1R):c.700G>A (p.Asp234Asn)

Genes: CSF1R (colony stimulating factor 1 receptor; minus strand), LOC111188154 (RORalpha allelically-responsive CSF1R enhancer; plus strand). Cytogenetic location: 5q32.
Variant type: single nucleotide variant.
Coding change: c.700G>A on transcript NM_001288705.3 (MANE Select); coding-DNA position 700, G replaced by A.
Protein change: p.Asp234Asn; replaces aspartic acid 234 with asparagine.
Molecular consequence: missense variant. On other transcripts: non-coding transcript variant (2).
Genome position (GRCh38, 1-based): chr5:150,078,141, C>T on the plus strand (G>A on the coding strand, the complement: CSF1R is on the minus strand). VCF-style: chr5-150078141-C-T. GRCh37 (hg19) VCF-style: chr5-149457704-C-T.
Other names: c.700G>A, p.Asp234Asn (NM_001349736.2, NM_001375320.1, NM_005211.4); c.256G>A, p.Asp86Asn (NM_001375321.1); short protein forms D234N, D86N.
Identifiers: ClinVar variation 2121272 (VCV002121272.4), dbSNP rs1454473722, ClinGen allele CA361730143.

ClinVar aggregate classification (germline): Uncertain significance (1 of 4 stars; one submission).

Submission:

Labcorp Genetics (formerly Invitae), Labcorp
Classification: Uncertain significance. Last evaluated: 2022-04-04. Review status: criteria provided, single submitter. Criteria: Invitae Variant Classification Sherloc (09022015). Collection method: clinical testing. Allele origin: germline.
Comment: This sequence change replaces aspartic acid, which is acidic and polar, with asparagine, which is neutral and polar, at codon 234 of the CSF1R protein (p.Asp234Asn). This variant is not present in population databases (gnomAD no frequency). This variant has not been reported in the literature in individuals affected with CSF1R-related conditions. Advanced modeling of protein sequence and biophysical properties (such as structural, functional, and spatial information, amino acid conservation, physicochemical variation, residue mobility, and thermodynamic stability) performed at Invitae indicates that this missense variant is not expected to disrupt CSF1R protein function. Algorithms developed to predict the effect of sequence changes on RNA splicing suggest that this variant may disrupt the consensus splice site. In summary, the available evidence is currently insufficient to determine the role of this variant in disease. Therefore, it has been classified as a Variant of Uncertain Significance.